The following is an entry in ClinVar:

ClinVar aggregate classification (germline): Pathogenic. Review status: no assertion criteria provided (0 of 4 stars). 2 submissions from 2 submitters: Pathogenic (2). Last evaluated 2022-05-04.

Conditions:
INFLTR8.
Immunodeficiency 98 with autoinflammation, X-linked (IMD98). Also called: INFLAMMATION, NEUTROPENIA, BONE MARROW FAILURE, AND LYMPHOPROLIFERATION CAUSED BY TLR8. Identifiers: Orphanet 675628, MedGen C5676883, MONDO:0024777, OMIM 301078.

Submissions (2):

OMIM
Classification: Pathogenic for IMMUNODEFICIENCY 98 WITH AUTOINFLAMMATION, X-LINKED, SOMATIC MOSAIC. Last evaluated: 2022-05-04. Review status: no assertion criteria provided. Collection method: literature only. Allele origin: somatic.

Megan Cooper Lab, Washington University School of Medicine in St Louis
Classification: Pathogenic for INFLTR8. Review status: no assertion criteria provided. Collection method: case-control. Allele origin: germline. Affected: yes. Clinical features observed: Inflammation, Neutropenia, Bone marrow failure, Lymphoproliferation.
Comment: We identified 6 unrelated males with neutropenia, infections, lymphoproliferation, humoral immune defects, and in some cases bone marrow failure associated with 3 different variants in the X-linked gene TLR8, encoding the endosomal Toll-like receptor 8 (TLR8). Interestingly, 5 patients had somatic variants in TLR8 with <30% mosaicism, suggesting a dominant mechanism responsible for the clinical phenotype. Mosaicism was also detected in skin-derived fibroblasts in 3 patients, demonstrating that mutations were not limited to the hematopoietic compartment. All patients had refractory chronic neutropenia, and 3 patients underwent allogeneic hematopoietic cell transplantation. All variants conferred gain of function to TLR8 protein, and immune phenotyping demonstrated a proinflammatory phenotype with activated T cells and elevated serum cytokines associated with impaired B-cell maturation. Differentiation of myeloid cells from patient-derived induced pluripotent stem cells demonstrated increased responsiveness to TLR8. Together, these findings demonstrate that gain-of-function variants in TLR8 lead to a novel childhood-onset IEI with lymphoproliferation, neutropenia, infectious susceptibility, B- and T-cell defects, and in some cases, bone marrow failure. Somatic mosaicism is a prominent molecular mechanism of this new disease.

Literature cited by the submitters: PubMed 33512449 (cited by OMIM and Megan Cooper Lab, Washington University School of Medicine in St Louis).

NM_138636.5(TLR8):c.1482C>A (p.Phe494Leu)

Genes: TLR8 (toll like receptor 8; plus strand), TLR8-AS1 (TLR8 antisense RNA 1; minus strand). Cytogenetic location: Xp22.2.
Variant type: single nucleotide variant.
Coding change: c.1482C>A on transcript NM_138636.5 (MANE Select); coding-DNA position 1482, C replaced by A.
Protein change: p.Phe494Leu; replaces phenylalanine 494 with leucine.
Molecular consequence: missense variant.
Genome position (GRCh38, 1-based): chrX:12,920,522, C>A. VCF-style: chrX-12920522-C-A. GRCh37 (hg19) VCF-style: chrX-12938641-C-A.
Other names: c.1536C>A, p.Phe512Leu (NM_016610.4); short protein forms F494L, F512L.
Identifiers: ClinVar variation 1172679 (VCV001172679.3), dbSNP rs2147259120, ClinGen allele CA412415935.
Genomic context (GRCh38, chrX:12,920,522, plus strand): 5'-AATAAAGCCACAATGTGCTGCTTATGGAAAAGCCTTAGATTTAAGCCTCAACAGTATTTT[C>A]TTCATTGGGCCAAACCAATTTGAAAATCTTCCTGACATTGCCTGTTTAAATCTGTCTGCA-3'
Protein context (NP_619542.1, residues 484-504): KALDLSLNSI[Phe494Leu]FIGPNQFENL